The following is an entry in ClinVar:

NM_001127222.2(CACNA1A):c.3787G>A (p.Glu1263Lys)

Gene: CACNA1A (calcium voltage-gated channel subunit alpha1 A; minus strand). Cytogenetic location: 19p13.13.
Variant type: single nucleotide variant.
Coding change: c.3787G>A on transcript NM_001127222.2 (MANE Select); coding-DNA position 3787, G replaced by A.
Protein change: p.Glu1263Lys; replaces glutamic acid 1263 with lysine.
Molecular consequence: missense variant.
Genome position (GRCh38, 1-based): chr19:13,283,302, C>T on the plus strand (G>A on the coding strand, the complement: CACNA1A is on the minus strand). VCF-style: chr19-13283302-C-T. GRCh37 (hg19) VCF-style: chr19-13394116-C-T.
Other names: c.3799G>A, p.Glu1267Lys (NM_000068.4, NM_023035.3); c.3790G>A, p.Glu1264Lys (NM_001127221.2, NM_001174080.2); short protein forms E1264K, E1263K, E1267K.
Identifiers: ClinVar variation 542820 (VCV000542820.12), dbSNP rs1555751762, ClinGen allele CA404340598.

ClinVar aggregate classification (germline): Pathogenic/Likely pathogenic. Review status: criteria provided, multiple submitters, no conflicts (2 of 4 stars). 5 submissions from 5 submitters: Pathogenic (3); Likely pathogenic (2). Last evaluated 2024-12-12.

Conditions:
CACNA1A-related complex neurodevelopmental disorder. Identifiers: MedGen CN323281, MONDO:0100254.
Episodic ataxia type 2 (EA2). Also called: ATAXIA, EPISODIC, WITH NYSTAGMUS; ATAXIA, FAMILIAL PAROXYSMAL; ACETAZOLAMIDE-RESPONSIVE HEREDITARY PAROXYSMAL CEREBELLAR ATAXIA; CEREBELLAR ATAXIA, PAROXYSMAL, ACETAZOLAMIDE-RESPONSIVE; CEREBELLOPATHY, HEREDITARY PAROXYSMAL; EPISODIC ATAXIA, NYSTAGMUS-ASSOCIATED. Identifiers: Orphanet 97, MedGen C1720416, MONDO:0007163, OMIM 108500.
CACNA1A-related disorder. Also called: CACNA1A-related condition.
Developmental and epileptic encephalopathy, 42 (DEE42A). Also called: Epileptic encephalopathy, early infantile, 42; DEVELOPMENTAL AND EPILEPTIC ENCEPHALOPATHY 42A; EPILEPTIC ENCEPHALOPATHY, EARLY INFANTILE, 42A. Identifiers: MedGen C4310716, MONDO:0014917, OMIM 617106.

Submissions (5):

Victorian Clinical Genetics Services, Murdoch Childrens Research Institute
Classification: Likely pathogenic for CACNA1A-related complex neurodevelopmental disorder. Last evaluated: 2024-12-12. Review status: criteria provided, single submitter. Criteria: ACMG Guidelines, 2015. Collection method: clinical testing. Allele origin: germline. Affected: yes.
Comment: This variant is classified as Likely pathogenic. Evidence in support of pathogenic classification: Variant is absent from gnomAD (v2, v3 and v4); This variant has moderate previous evidence of pathogenicity in unrelated individuals. This variant has been classified as pathogenic by two clinical laboratories in ClinVar, and reported in the literature in multiple individuals with ataxia or ataxia and developmental delay, including a de novo occurrence (PMIDs: 33233562, 28444220); Missense variant in a region that is highly intolerant to missense variation (high constraint region in DECIPHER); Missense variant consistently predicted to be damaging by in silico tool or highly conserved with a major amino acid change. Additional information: Variant is predicted to result in a missense amino acid change from glutamic acid to lysine; This variant is heterozygous; This gene is associated with autosomal dominant disease; No published functional evidence has been identified for this variant; No comparable missense variants have previous evidence for pathogenicity; Loss of function and gain of function are known mechanisms of disease in this gene and are associated with CACNA1A-related disease. Episodic ataxia, type 2 (MIM#108500) is caused by variants with a loss of function mechanism (PMID: 28566750); The condition associated with this gene has incomplete penetrance. Reduced penetrance has been reported for patients with episodic ataxia, type 2 (OMIM); Variants in this gene are known to have variable expressivity. Two families with episodic ataxia, intellectual disability and/or epilepsy have been reported with intrafamilial variability (PMID: 32910250, PMID: 30142438); Inheritance information for this variant is not currently available in this individual.

Labcorp Genetics (formerly Invitae), Labcorp
Classification: Pathogenic for Developmental and epileptic encephalopathy, 42; Episodic ataxia type 2. Last evaluated: 2024-03-19. Review status: criteria provided, single submitter. Criteria: Invitae Variant Classification Sherloc (09022015). Collection method: clinical testing. Allele origin: germline.
Comment: This sequence change replaces glutamic acid, which is acidic and polar, with lysine, which is basic and polar, at codon 1264 of the CACNA1A protein (p.Glu1264Lys). This variant is not present in population databases (gnomAD no frequency). This missense change has been observed in individual(s) with CACNA1A-related disorders (PMID: 26633542, 28444220, 33233562; Invitae). In at least one individual the variant was observed to be de novo. This variant is also known as c.3787G>A:p.E1263K. ClinVar contains an entry for this variant (Variation ID: 542820). Advanced modeling of protein sequence and biophysical properties (such as structural, functional, and spatial information, amino acid conservation, physicochemical variation, residue mobility, and thermodynamic stability) performed at Invitae indicates that this missense variant is expected to disrupt CACNA1A protein function with a positive predictive value of 95%. For these reasons, this variant has been classified as Pathogenic.

3billion
Classification: Pathogenic for Episodic ataxia type 2. Last evaluated: 2024-01-30. Review status: criteria provided, single submitter. Criteria: ACMG Guidelines, 2015. Collection method: clinical testing. Allele origin: germline. Affected: yes.
Comment: The variant is not observed in the gnomAD v2.1.1 dataset. Predicted Consequence/Location: Missense variant In silico tool predictions suggest damaging effect of the variant on gene or gene product [REVEL: 0.92 (>=0.6, sensitivity 0.68 and specificity 0.92)]. Same nucleotide change resulting in same amino acid change has been previously reported to be associated with CACNA1A-related disorder (ClinVar ID: VCV000542820 /PMID: 28444220).The variant has been observed in multiple (>3) similarly affected unrelated individuals (PMID: 28444220, 33057194, 33233562, 35982159).The variant has been previously reported as assumed (i.e. paternity and maternity not confirmed) de novo in at least one similarly affected unrelated individual (PMID: 33233562 /3billion dataset). Therefore, this variant is classified as Pathogenic according to the recommendation of ACMG/AMP guideline.

GeneDx
Classification: Pathogenic. Last evaluated: 2023-11-28. Review status: criteria provided, single submitter. Criteria: GeneDx Variant Classification Process June 2021. Collection method: clinical testing. Allele origin: germline. Affected: yes.
Comment: In silico analysis supports that this missense variant has a deleterious effect on protein structure/function; Not observed at significant frequency in large population cohorts (gnomAD); This variant is associated with the following publications: (PMID: 26633542, 33233562, 28444220)

Blueprint Genetics
Classification: Likely pathogenic for CACNA1A-related disorders. Last evaluated: 2023-01-31. Review status: criteria provided, single submitter. Criteria: ACMG Guidelines, 2015. Collection method: clinical testing. Allele origin: germline. Affected: yes. Observed: 1 variant allele.

Literature cited by the submitters: PubMed 33233562 (cited by 3 submitters); PubMed 32910250 (cited by Victorian Clinical Genetics Services, Murdoch Childrens Research Institute); PubMed 30142438 (cited by Victorian Clinical Genetics Services, Murdoch Childrens Research Institute); PubMed 28566750 (cited by Victorian Clinical Genetics Services, Murdoch Childrens Research Institute); PubMed 28444220 (cited by 3 submitters); PubMed 26633542 (cited by Labcorp Genetics (formerly Invitae), Labcorp); PubMed 35982159 (cited by 3billion); PubMed 33057194 (cited by 3billion).